The following is an entry in ClinVar:

ClinVar aggregate classification (germline): Pathogenic. Review status: criteria provided, multiple submitters, no conflicts (2 of 4 stars). 2 submissions from 2 submitters: Pathogenic (2). Last evaluated 2024-04-23.

Submissions (2):

GeneDx
Classification: Pathogenic. Last evaluated: 2024-04-23. Review status: criteria provided, single submitter. Criteria: GeneDx Variant Classification Process June 2021. Collection method: clinical testing. Allele origin: germline. Affected: yes.
Comment: Identified in patients with a clinical diagnosis or features of Stickler syndrome referred for genetic testing at GeneDx and in published literature, including as a de novo variant with confirmed parentage (PMID: 20179744); Damages or destroys the splice donor site in intron 9, and is expected to cause abnormal gene splicing; if the splice outcome is exon skip, the loss of the encoded residues in the triple helical region is expected to disrupt normal protein folding and function, and this is an established mechanism of disease (HGMD); Not observed at significant frequency in large population cohorts (gnomAD); This variant is associated with the following publications: (PMID: 25525159, 20179744)

Labcorp Genetics (formerly Invitae), Labcorp
Classification: Pathogenic. Last evaluated: 2022-10-17. Review status: criteria provided, single submitter. Criteria: Invitae Variant Classification Sherloc (09022015). Collection method: clinical testing. Allele origin: germline.
Comment: Disruption of this splice site has been observed in individuals with COL2A1-related conditions (PMID: 20179744; Invitae). For these reasons, this variant has been classified as Pathogenic. Algorithms developed to predict the effect of sequence changes on RNA splicing suggest that this variant may disrupt the consensus splice site. ClinVar contains an entry for this variant (Variation ID: 1459960). This variant is not present in population databases (gnomAD no frequency). This sequence change affects a donor splice site in intron 9 of the COL2A1 gene. It is expected to disrupt RNA splicing. Variants that disrupt the donor or acceptor splice site typically lead to a loss of protein function (PMID: 16199547), and loss-of-function variants in COL2A1 are known to be pathogenic (PMID: 20179744).

Literature cited by the submitters: PubMed 20179744 (cited by Labcorp Genetics (formerly Invitae), Labcorp); PubMed 16199547 (cited by Labcorp Genetics (formerly Invitae), Labcorp).

NM_001844.5(COL2A1):c.654+1G>A

Gene: COL2A1 (collagen type II alpha 1 chain; minus strand). Cytogenetic location: 12q13.11.
Variant type: single nucleotide variant.
Coding change: c.654+1G>A on transcript NM_001844.5 (MANE Select); the canonical splice donor site of the intron after coding-DNA position 654, G replaced by A.
Molecular consequence: splice donor variant.
Genome position (GRCh38, 1-based): chr12:47,995,874, C>T on the plus strand (G>A on the coding strand, the complement: COL2A1 is on the minus strand). VCF-style: chr12-47995874-C-T. GRCh37 (hg19) VCF-style: chr12-48389657-C-T.
Other names: c.447+1G>A (NM_033150.3).
Identifiers: ClinVar variation 1459960 (VCV001459960.8), dbSNP rs2136618972, ClinGen allele CA384523824.